The following is an entry in ClinVar:

NM_001127222.2(CACNA1A):c.3533dup (p.Asn1179fs)

Gene: CACNA1A (calcium voltage-gated channel subunit alpha1 A; minus strand). Cytogenetic location: 19p13.13.
Variant type: Duplication.
Coding change: c.3533dup on transcript NM_001127222.2 (MANE Select); coding-DNA position 3533, one base duplicated (T; older notation c.3533dupT).
Protein change: p.Asn1179fs; shifts the reading frame from asparagine 1179.
Molecular consequence: frameshift variant.
Genome position (GRCh38, 1-based): chr19:13,286,523, A duplicated on the plus strand (T on the coding strand, the reverse complement: CACNA1A is on the minus strand). VCF-style (leftmost placement, unchanged base first): chr19-13286522-G-GA. GRCh37 (hg19) VCF-style: chr19-13397336-G-GA.
Other names: c.3536dup, p.Asn1180fs (NM_001174080.2, NM_001127221.2); c.3545dup, p.Asn1183fs (NM_023035.3, NM_000068.4); short protein forms N1183fs, N1179fs, N1180fs.
Identifiers: ClinVar variation 2943245 (VCV002943245.3), dbSNP rs2512855822, ClinGen allele CA2740091940.

ClinVar aggregate classification (germline): Pathogenic (1 of 4 stars; one submission).

Conditions:
Episodic ataxia type 2 (EA2). Also called: CEREBELLAR ATAXIA, PAROXYSMAL, ACETAZOLAMIDE-RESPONSIVE; CEREBELLOPATHY, HEREDITARY PAROXYSMAL; EPISODIC ATAXIA, NYSTAGMUS-ASSOCIATED; ACETAZOLAMIDE-RESPONSIVE HEREDITARY PAROXYSMAL CEREBELLAR ATAXIA; ATAXIA, EPISODIC, WITH NYSTAGMUS; ATAXIA, FAMILIAL PAROXYSMAL. Identifiers: Orphanet 97, MedGen C1720416, MONDO:0007163, OMIM 108500.
Developmental and epileptic encephalopathy, 42 (DEE42A). Also called: Epileptic encephalopathy, early infantile, 42; DEVELOPMENTAL AND EPILEPTIC ENCEPHALOPATHY 42A; EPILEPTIC ENCEPHALOPATHY, EARLY INFANTILE, 42A. Identifiers: MedGen C4310716, MONDO:0014917, OMIM 617106.

Submission:

Labcorp Genetics (formerly Invitae), Labcorp
Classification: Pathogenic for Developmental and epileptic encephalopathy, 42; Episodic ataxia type 2. Last evaluated: 2023-01-15. Review status: criteria provided, single submitter. Criteria: Invitae Variant Classification Sherloc (09022015). Collection method: clinical testing. Allele origin: germline.
Comment: This sequence change creates a premature translational stop signal (p.Asn1180Glnfs*37) in the CACNA1A gene. It is expected to result in an absent or disrupted protein product. Loss-of-function variants in CACNA1A are known to be pathogenic (PMID: 10371528, 19486177, 25735478, 27250579). This variant is not present in population databases (gnomAD no frequency). This variant has not been reported in the literature in individuals affected with CACNA1A-related conditions. For these reasons, this variant has been classified as Pathogenic.

Literature cited by the submitters: PubMed 10371528; PubMed 19486177; PubMed 25735478; PubMed 27250579.